The following is an entry in ClinVar:

NM_172364.5(CACNA2D4):c.3098G>A (p.Cys1033Tyr)

Gene: CACNA2D4 (calcium voltage-gated channel auxiliary subunit alpha2delta 4; minus strand). Cytogenetic location: 12p13.33.
Variant type: single nucleotide variant.
Coding change: c.3098G>A on transcript NM_172364.5 (MANE Select); coding-DNA position 3098, G replaced by A.
Protein change: p.Cys1033Tyr; replaces cysteine 1033 with tyrosine.
Molecular consequence: missense variant.
Genome position (GRCh38, 1-based): chr12:1,797,433, C>T on the plus strand (G>A on the coding strand, the complement: CACNA2D4 is on the minus strand). VCF-style: chr12-1797433-C-T. GRCh37 (hg19) VCF-style: chr12-1906599-C-T.
Other names: c.3098G>A (NM_172364.4); short protein forms C1033Y.
Identifiers: ClinVar variation 1060263 (VCV001060263.11), dbSNP rs751639400, ClinGen allele CA6386072.

ClinVar aggregate classification (germline): Uncertain significance. Review status: criteria provided, multiple submitters, no conflicts (2 of 4 stars). 3 submissions from 3 submitters: Uncertain significance (3). Last evaluated 2024-03-28.

Conditions:
Inborn genetic diseases. Identifiers: MedGen C0950123, MeSH D030342.

Allele frequency attached by ClinVar (database versions not stated): gnomAD 0.00001.

Submissions (3):

Ambry Genetics
Classification: Uncertain significance for Inborn genetic diseases. Last evaluated: 2024-03-28. Review status: criteria provided, single submitter. Criteria: Ambry Variant Classification Scheme 2023. Collection method: clinical testing. Allele origin: germline.

Labcorp Genetics (formerly Invitae), Labcorp
Classification: Uncertain significance. Last evaluated: 2022-08-17. Review status: criteria provided, single submitter. Criteria: Invitae Variant Classification Sherloc (09022015). Collection method: clinical testing. Allele origin: germline.
Comment: In summary, the available evidence is currently insufficient to determine the role of this variant in disease. Therefore, it has been classified as a Variant of Uncertain Significance. Algorithms developed to predict the effect of missense changes on protein structure and function are either unavailable or do not agree on the potential impact of this missense change (SIFT: "Deleterious"; PolyPhen-2: "Probably Damaging"; Align-GVGD: "Class C0"). ClinVar contains an entry for this variant (Variation ID: 1060263). This variant has not been reported in the literature in individuals affected with CACNA2D4-related conditions. This variant is not present in population databases (gnomAD no frequency). This sequence change replaces cysteine, which is neutral and slightly polar, with tyrosine, which is neutral and polar, at codon 1033 of the CACNA2D4 protein (p.Cys1033Tyr).

Blueprint Genetics
Classification: Uncertain significance. Last evaluated: 2018-10-04. Review status: criteria provided, single submitter. Criteria: ACMG Guidelines, 2015. Collection method: clinical testing. Allele origin: germline.